The following is an entry in ClinVar:

ClinVar aggregate classification (germline): Uncertain significance (1 of 4 stars; one submission).

Submission:

Labcorp Genetics (formerly Invitae), Labcorp
Classification: Uncertain significance. Last evaluated: 2022-05-12. Review status: criteria provided, single submitter. Criteria: Invitae Variant Classification Sherloc (09022015). Collection method: clinical testing. Allele origin: germline.
Comment: In summary, the available evidence is currently insufficient to determine the role of this variant in disease. Therefore, it has been classified as a Variant of Uncertain Significance. Algorithms developed to predict the effect of missense changes on protein structure and function (SIFT, PolyPhen-2, Align-GVGD) all suggest that this variant is likely to be tolerated. This variant has not been reported in the literature in individuals affected with SLC25A4-related conditions. This variant is not present in population databases (gnomAD no frequency). This sequence change replaces glutamine, which is neutral and polar, with histidine, which is basic and polar, at codon 175 of the SLC25A4 protein (p.Gln175His).

NM_001151.4(SLC25A4):c.525G>T (p.Gln175His)

Gene: SLC25A4 (solute carrier family 25 member 4; plus strand). Cytogenetic location: 4q35.1.
Variant type: single nucleotide variant.
Coding change: c.525G>T on transcript NM_001151.4 (MANE Select); coding-DNA position 525, G replaced by T.
Protein change: p.Gln175His; replaces glutamine 175 with histidine.
Molecular consequence: missense variant.
Genome position (GRCh38, 1-based): chr4:185,145,177, G>T. VCF-style: chr4-185145177-G-T. GRCh37 (hg19) VCF-style: chr4-186066331-G-T.
Other names: short protein forms Q175H.
Identifiers: ClinVar variation 2132068 (VCV002132068.4), dbSNP rs2477169735, ClinGen allele CA358896812.